The following is an entry in ClinVar:

NM_133510.4(RAD51B):c.728A>G (p.Lys243Arg)

Gene: RAD51B (RAD51 paralog B; plus strand). Cytogenetic location: 14q24.1.
Variant type: single nucleotide variant.
Coding change: c.728A>G on transcript NM_133510.4 (MANE Select); coding-DNA position 728, A replaced by G.
Protein change: p.Lys243Arg; replaces lysine 243 with arginine.
Molecular consequence: missense variant.
Genome position (GRCh38, 1-based): chr14:67,887,176, A>G. VCF-style: chr14-67887176-A-G. GRCh37 (hg19) VCF-style: chr14-68353893-A-G.
Other names: NP_001308747.1:p.Lys243Arg; NC_000014.8:g.68353893A>G; p.Lys243Arg; c.728A>G, p.Lys243Arg (NM_001321821.2, NM_002877.6, NM_133509.5 and 6 more transcripts); c.728A>G (NM_133509.4, NM_133510.3); c.614A>G, p.Lys205Arg (NM_001321815.1); c.371A>G, p.Lys124Arg (NM_001321817.2); short protein forms K124R, K205R, K243R.
Identifiers: ClinVar variation 1678952 (VCV001678952.27), dbSNP rs34594234, ClinGen allele CA7241157.
Genomic context (GRCh38, chr14:67,887,176, plus strand): 5'-AACTTCAAGGCAATCTCAAAGAAAGAAACAAGTTCTTGGCAAGAGAGGCATCCTCCTTGA[A>G]GTATTTGGCTGAGGAGTTTTCAATCCCAGTAAGTTTTTCTTTTTTTCTCTTTTTTCTTTT-3'
Protein context (NP_598194.1, residues 233-253): KFLAREASSL[Lys243Arg]YLAEEFSIPV

ClinVar aggregate classification (germline): Benign/Likely benign. Review status: criteria provided, multiple submitters, no conflicts (2 of 4 stars). 5 submissions from 5 submitters: Benign (2); Likely benign (3). Last evaluated 2026-09-01.

Conditions:
Hereditary breast ovarian cancer syndrome. Also called: BRCA1- and BRCA2-Associated Hereditary Breast and Ovarian Cancer; Hereditary breast and ovarian cancer; Hereditary breast and ovarian cancer syndrome; Hereditary breast and ovarian cancer syndrome (HBOC); Breast and ovarian cancer; Hereditary breast and/or ovarian cancer syndrome. Identifiers: Orphanet 145, MedGen C0677776, MeSH D061325, MONDO:0003582. Disease mechanism: loss of function.

Allele frequency attached by ClinVar (database versions not stated): 1000 Genomes Project 0.00300; 1000 Genomes Project 30x 0.00359; gnomAD 0.00680 and 0.00700; TOPMed 0.00695; gnomAD exomes 0.00734 and 0.01050; ExAC 0.00735; ESP Exome Variant Server 0.00877.
gnomAD v4.1: 16,218 of 1,610,888 alleles (1%); highest among the groups gnomAD compares: Non-Finnish European, 1.2%; 111 homozygotes.

Submissions 1 to 30 of 57:

CeGaT Center for Human Genetics Tuebingen
Classification: Benign. Last evaluated: 2026-09-01. Review status: criteria provided, single submitter. Criteria: CeGaT Center For Human Genetics Tuebingen Variant Classification Criteria Version 2. Collection method: clinical testing. Allele origin: germline. Affected: yes. Observed: 3 variant alleles.
Comment: RAD51B: BS1, BS2

Mayo Clinic Laboratories, Mayo Clinic
Classification: Likely benign. Last evaluated: 2025-06-06. Review status: criteria provided, single submitter. Criteria: ACMG Guidelines, 2015. Collection method: clinical testing. Allele origin: germline. Observed: 13 variant alleles.
Comment: BS1, BP4

Ambry Genetics
Classification: Benign. Last evaluated: 2024-07-08. Review status: criteria provided, single submitter. Criteria: Ambry Variant Classification Scheme 2023. Collection method: clinical testing. Allele origin: germline.

National Health Laboratory Service, Universitas Academic Hospital and University of the Free State
Classification: Likely benign for Hereditary breast ovarian cancer syndrome. Last evaluated: 2022-04-19. Review status: criteria provided, single submitter. Criteria: ACMG Guidelines, 2015. Collection method: clinical testing. Allele origin: germline. Affected: yes. Observed: 4 variant alleles.

Breakthrough Genomics
Classification: Likely benign. Review status: criteria provided, single submitter. Criteria: ACMG Guidelines, 2015. Collection method: not provided. Allele origin: germline. Inheritance: Unknown mechanism. Affected: yes.

Dr. Peter K. Rogan Lab, Western University
No classification provided (evidence only). Condition: Clear cell carcinoma of kidney. Review status: no classification provided. Collection method: in vitro. Allele origin: not applicable. Functional consequence: retained intron. Not counted in ClinVar's aggregate classification.

Dr. Peter K. Rogan Lab, Western University
No classification provided (evidence only). Condition: Clear cell carcinoma of kidney. Review status: no classification provided. Collection method: in vitro. Allele origin: not applicable. Functional consequence: retained intron. Not counted in ClinVar's aggregate classification.

Dr. Peter K. Rogan Lab, Western University
No classification provided (evidence only). Condition: Clear cell carcinoma of kidney. Review status: no classification provided. Collection method: in vitro. Allele origin: not applicable. Functional consequence: retained intron. Not counted in ClinVar's aggregate classification.

Dr. Peter K. Rogan Lab, Western University
No classification provided (evidence only). Condition: Clear cell carcinoma of kidney. Review status: no classification provided. Collection method: in vitro. Allele origin: not applicable. Functional consequence: retained intron. Not counted in ClinVar's aggregate classification.

Dr. Peter K. Rogan Lab, Western University
No classification provided (evidence only). Condition: Clear cell carcinoma of kidney. Review status: no classification provided. Collection method: in vitro. Allele origin: not applicable. Functional consequence: retained intron. Not counted in ClinVar's aggregate classification.

Dr. Peter K. Rogan Lab, Western University
No classification provided (evidence only). Condition: Clear cell carcinoma of kidney. Review status: no classification provided. Collection method: in vitro. Allele origin: not applicable. Functional consequence: retained intron. Not counted in ClinVar's aggregate classification.

Dr. Peter K. Rogan Lab, Western University
No classification provided (evidence only). Condition: Clear cell carcinoma of kidney. Review status: no classification provided. Collection method: in vitro. Allele origin: not applicable. Functional consequence: retained intron. Not counted in ClinVar's aggregate classification.

Dr. Peter K. Rogan Lab, Western University
No classification provided (evidence only). Condition: Lung cancer. Review status: no classification provided. Collection method: in vitro. Allele origin: not applicable. Functional consequence: retained intron. Not counted in ClinVar's aggregate classification.

Dr. Peter K. Rogan Lab, Western University
No classification provided (evidence only). Condition: Lung cancer. Review status: no classification provided. Collection method: in vitro. Allele origin: not applicable. Functional consequence: retained intron. Not counted in ClinVar's aggregate classification.

Dr. Peter K. Rogan Lab, Western University
No classification provided (evidence only). Condition: Lung cancer. Review status: no classification provided. Collection method: in vitro. Allele origin: not applicable. Functional consequence: retained intron. Not counted in ClinVar's aggregate classification.

Dr. Peter K. Rogan Lab, Western University
No classification provided (evidence only). Condition: Lung cancer. Review status: no classification provided. Collection method: in vitro. Allele origin: not applicable. Functional consequence: retained intron. Not counted in ClinVar's aggregate classification.

Dr. Peter K. Rogan Lab, Western University
No classification provided (evidence only). Condition: Lung cancer. Review status: no classification provided. Collection method: in vitro. Allele origin: not applicable. Functional consequence: retained intron. Not counted in ClinVar's aggregate classification.

Dr. Peter K. Rogan Lab, Western University
No classification provided (evidence only). Condition: Lung cancer. Review status: no classification provided. Collection method: in vitro. Allele origin: not applicable. Functional consequence: retained intron. Not counted in ClinVar's aggregate classification.

Dr. Peter K. Rogan Lab, Western University
No classification provided (evidence only). Condition: Melanoma. Review status: no classification provided. Collection method: in vitro. Allele origin: not applicable. Functional consequence: retained intron. Not counted in ClinVar's aggregate classification.

Dr. Peter K. Rogan Lab, Western University
No classification provided (evidence only). Condition: Melanoma. Review status: no classification provided. Collection method: in vitro. Allele origin: not applicable. Functional consequence: retained intron. Not counted in ClinVar's aggregate classification.

Dr. Peter K. Rogan Lab, Western University
No classification provided (evidence only). Condition: Melanoma. Review status: no classification provided. Collection method: in vitro. Allele origin: not applicable. Functional consequence: retained intron. Not counted in ClinVar's aggregate classification.

Dr. Peter K. Rogan Lab, Western University
No classification provided (evidence only). Condition: Melanoma. Review status: no classification provided. Collection method: in vitro. Allele origin: not applicable. Functional consequence: retained intron. Not counted in ClinVar's aggregate classification.

Dr. Peter K. Rogan Lab, Western University
No classification provided (evidence only). Condition: Melanoma. Review status: no classification provided. Collection method: in vitro. Allele origin: not applicable. Functional consequence: retained intron. Not counted in ClinVar's aggregate classification.

Dr. Peter K. Rogan Lab, Western University
No classification provided (evidence only). Condition: Melanoma. Review status: no classification provided. Collection method: in vitro. Allele origin: not applicable. Functional consequence: retained intron. Not counted in ClinVar's aggregate classification.

Dr. Peter K. Rogan Lab, Western University
No classification provided (evidence only). Condition: Melanoma. Review status: no classification provided. Collection method: in vitro. Allele origin: not applicable. Functional consequence: retained intron. Not counted in ClinVar's aggregate classification.

Dr. Peter K. Rogan Lab, Western University
No classification provided (evidence only). Condition: Acute myeloid leukemia. Review status: no classification provided. Collection method: in vitro. Allele origin: not applicable. Functional consequence: retained intron. Not counted in ClinVar's aggregate classification.

Dr. Peter K. Rogan Lab, Western University
No classification provided (evidence only). Condition: Acute myeloid leukemia. Review status: no classification provided. Collection method: in vitro. Allele origin: not applicable. Functional consequence: retained intron. Not counted in ClinVar's aggregate classification.

Dr. Peter K. Rogan Lab, Western University
No classification provided (evidence only). Condition: Acute myeloid leukemia. Review status: no classification provided. Collection method: in vitro. Allele origin: not applicable. Functional consequence: retained intron. Not counted in ClinVar's aggregate classification.

Dr. Peter K. Rogan Lab, Western University
No classification provided (evidence only). Condition: Colon adenocarcinoma. Review status: no classification provided. Collection method: in vitro. Allele origin: not applicable. Functional consequence: retained intron. Not counted in ClinVar's aggregate classification.

Dr. Peter K. Rogan Lab, Western University
No classification provided (evidence only). Condition: Colon adenocarcinoma. Review status: no classification provided. Collection method: in vitro. Allele origin: not applicable. Functional consequence: retained intron. Not counted in ClinVar's aggregate classification.